The following is an entry in ClinVar:

ClinVar aggregate classification (germline): Conflicting classifications of pathogenicity. Review status: criteria provided, conflicting classifications (1 of 4 stars). 2 submissions from 2 submitters: Uncertain significance (1); Likely benign (1). Last evaluated 2025-08-05.

Conditions:
Hereditary cancer-predisposing syndrome. Also called: Hereditary Cancer Syndrome; Neoplastic Syndromes, Hereditary; Hereditary neoplastic syndrome; Tumor predisposition. Identifiers: Orphanet 140162, MedGen C0027672, MeSH D009386, MONDO:0015356.

Allele frequency attached by ClinVar (database versions not stated): gnomAD exomes below 0.00001 and 0.00001; ExAC 0.00002.

Submissions (2):

Labcorp Genetics (formerly Invitae), Labcorp
Classification: Likely benign. Last evaluated: 2025-08-05. Review status: criteria provided, single submitter. Criteria: Invitae Variant Classification Sherloc (09022015). Collection method: clinical testing. Allele origin: germline.

Ambry Genetics
Classification: Uncertain significance for Hereditary cancer-predisposing syndrome. Last evaluated: 2024-10-14. Review status: criteria provided, single submitter. Criteria: Ambry Variant Classification Scheme 2023. Collection method: clinical testing. Allele origin: germline.
Comment: The c.1089T>G variant (also known as p.T363T), located in coding exon 7 of the MSH3 gene, results from a T to G substitution at nucleotide position 1089. This nucleotide substitution does not change the at codon 363. This nucleotide position is not well conserved in available vertebrate species. In silico splice site analysis for this alteration is inconclusive. Based on the available evidence, the clinical significance of this variant remains unclear.

NM_002439.5(MSH3):c.1089T>G (p.Thr363=)

Gene: MSH3 (mutS homolog 3; plus strand). Cytogenetic location: 5q14.1.
Variant type: single nucleotide variant.
Coding change: c.1089T>G on transcript NM_002439.5 (MANE Select); coding-DNA position 1089, T replaced by G.
Protein change: p.Thr363=; no amino-acid change (threonine 363 retained).
Molecular consequence: synonymous variant.
Genome position (GRCh38, 1-based): chr5:80,675,044, T>G. VCF-style: chr5-80675044-T-G. GRCh37 (hg19) VCF-style: chr5-79970863-T-G.
Identifiers: ClinVar variation 1095426 (VCV001095426.12), dbSNP rs748784115, ClinGen allele CA3327796.